The following is an entry in ClinVar:

NM_144573.4(NEXN):c.338G>T (p.Arg113Ile)

Genes: NEXN (nexilin F-actin binding protein; plus strand), LOC126805765 (BRD4-independent group 4 enhancer GRCh37_chr1:78383688-78384887; plus strand). Cytogenetic location: 1p31.1.
Variant type: single nucleotide variant.
Coding change: c.338G>T on transcript NM_144573.4 (MANE Select); coding-DNA position 338, G replaced by T.
Protein change: p.Arg113Ile; replaces arginine 113 with isoleucine.
Molecular consequence: missense variant.
Genome position (GRCh38, 1-based): chr1:77,918,164, G>T. VCF-style: chr1-77918164-G-T. GRCh37 (hg19) VCF-style: chr1-78383849-G-T.
Other names: c.146G>T, p.Arg49Ile (NM_001172309.2); short protein forms R113I, R49I.
Identifiers: ClinVar variation 4614687 (VCV004614687.1).

ClinVar aggregate classification (germline): Uncertain significance (1 of 4 stars; one submission).

Conditions:
Cardiovascular phenotype. Identifiers: MedGen CN230736.

Submission:

Ambry Genetics
Classification: Uncertain significance for Cardiovascular phenotype. Last evaluated: 2025-09-18. Review status: criteria provided, single submitter. Criteria: Ambry Variant Classification Scheme 2023. Collection method: clinical testing. Allele origin: germline.
Comment: The p.R113I variant (also known as c.338G>T), located in coding exon 4 of the NEXN gene, results from a G to T substitution at nucleotide position 338. The arginine at codon 113 is replaced by isoleucine, an amino acid with similar properties. This amino acid position is conserved. In addition, this alteration is predicted to be deleterious by in silico analysis. Based on the available evidence, the clinical significance of this variant remains unclear.